The following is an entry in ClinVar:

ClinVar aggregate classification (germline): Uncertain significance (1 of 4 stars; one submission).

Allele frequency attached by ClinVar (database versions not stated): gnomAD exomes 0.00002 and 0.00006; TOPMed 0.00002; ExAC 0.00003; gnomAD 0.00001.
gnomAD v4.1: 26 of 1,611,590 alleles (0.0016%); highest among the groups gnomAD compares: Admixed American, 0.04%; no homozygotes.

Submission:

Center for Genomics, Ann and Robert H. Lurie Children's Hospital of Chicago
Classification: Uncertain significance. Last evaluated: 2021-03-30. Review status: criteria provided, single submitter. Criteria: ACMG Guidelines, 2015. Collection method: clinical testing. Allele origin: germline.
Comment: CFHR4 NM_001201550.2 exon 7 p.Gly385Arg (c.1153G>A): This variant has not been reported in the literature but is present in 16/33550 Latino alleles in the Genome Aggregation Database. Evolutionary conservation and computational predictive tools for this variant are limited or unavailable. In summary, data on this variant is insufficient for disease classification. Therefore, the clinical significance of this variant is uncertain.

NM_001201550.3(CFHR4):c.1153G>A (p.Gly385Arg)

Gene: CFHR4 (complement factor H related 4; plus strand). Cytogenetic location: 1q31.3.
Variant type: single nucleotide variant.
Coding change: c.1153G>A on transcript NM_001201550.3 (MANE Select); coding-DNA position 1153, G replaced by A.
Protein change: p.Gly385Arg; replaces glycine 385 with arginine.
Molecular consequence: missense variant.
Genome position (GRCh38, 1-based): chr1:196,912,895, G>A. VCF-style: chr1-196912895-G-A. GRCh37 (hg19) VCF-style: chr1-196882025-G-A.
Other names: c.1153G>A, p.Gly385Arg (LRG_1224t1); c.1150G>A, p.Gly384Arg (NM_001201551.2); c.412G>A, p.Gly138Arg (NM_006684.5); short protein forms G385R, G138R, G384R.
Identifiers: ClinVar variation 626077 (VCV000626077.2), dbSNP rs761767894, ClinGen allele CA1307044.